The following is an entry in ClinVar:

NM_000143.4(FH):c.624del (p.Leu208fs)

Gene: FH (fumarate hydratase; minus strand). Cytogenetic location: 1q43.
Variant type: Deletion.
Coding change: c.624del on transcript NM_000143.4 (MANE Select); coding-DNA position 624, one base deleted (A; older notation c.624delA).
Protein change: p.Leu208fs; shifts the reading frame from leucine 208.
Molecular consequence: frameshift variant.
Genome position (GRCh38, 1-based): chr1:241,508,717, T deleted on the plus strand (A on the coding strand, the reverse complement: FH is on the minus strand). VCF-style (leftmost placement, unchanged base first): chr1-241508716-GT-G. GRCh37 (hg19) VCF-style: chr1-241672016-GT-G.
Other names: short protein forms L208fs.
Identifiers: ClinVar variation 1698428 (VCV001698428.3), dbSNP rs2147919608, ClinGen allele CA2580063524.

ClinVar aggregate classification (germline): Pathogenic (1 of 4 stars; one submission).

Conditions:
Hereditary cancer-predisposing syndrome. Also called: Hereditary neoplastic syndrome; Tumor predisposition; Neoplastic Syndromes, Hereditary; Hereditary Cancer Syndrome. Identifiers: Orphanet 140162, MedGen C0027672, MeSH D009386, MONDO:0015356.

Submission:

Ambry Genetics
Classification: Pathogenic for Hereditary cancer-predisposing syndrome. Last evaluated: 2023-11-30. Review status: criteria provided, single submitter. Criteria: Ambry Variant Classification Scheme 2023. Collection method: clinical testing. Allele origin: germline.
Comment: The c.624delA pathogenic mutation, located in coding exon 5 of the FH gene, results from a deletion of one nucleotide at nucleotide position 624, causing a translational frameshift with a predicted alternate stop codon (p.L208Ffs*48). This alteration is expected to result in loss of function by premature protein truncation or nonsense-mediated mRNA decay. As such, this alteration is interpreted as a disease-causing mutation.